The following is an entry in ClinVar:

NM_000327.4(ROM1):c.418G>C (p.Ala140Pro)

Gene: ROM1 (retinal outer segment membrane protein 1; plus strand). Cytogenetic location: 11q12.3.
Variant type: single nucleotide variant.
Coding change: c.418G>C on transcript NM_000327.4 (MANE Select); coding-DNA position 418, G replaced by C.
Protein change: p.Ala140Pro; replaces alanine 140 with proline.
Molecular consequence: missense variant.
Genome position (GRCh38, 1-based): chr11:62,613,699, G>C. VCF-style: chr11-62613699-G-C. GRCh37 (hg19) VCF-style: chr11-62381171-G-C.
Other names: short protein forms A140P.
Identifiers: ClinVar variation 1481420 (VCV001481420.6), dbSNP rs756297463, ClinGen allele CA380969707.

ClinVar aggregate classification (germline): Uncertain significance (1 of 4 stars; one submission).

gnomAD v4.1: 3 of 1,614,214 alleles (0.00019%); highest among the groups gnomAD compares: African/African-American, 0.0013%; no homozygotes.

Submission:

Labcorp Genetics (formerly Invitae), Labcorp
Classification: Uncertain significance. Last evaluated: 2021-10-11. Review status: criteria provided, single submitter. Criteria: Invitae Variant Classification Sherloc (09022015). Collection method: clinical testing. Allele origin: germline.
Comment: Algorithms developed to predict the effect of missense changes on protein structure and function are either unavailable or do not agree on the potential impact of this missense change (SIFT: "Deleterious"; PolyPhen-2: "Probably Damaging"; Align-GVGD: "Class C0"). This sequence change replaces alanine with proline at codon 140 of the ROM1 protein (p.Ala140Pro). The alanine residue is highly conserved and there is a small physicochemical difference between alanine and proline. This variant is not present in population databases (ExAC no frequency). This variant has not been reported in the literature in individuals affected with ROM1-related conditions. In summary, the available evidence is currently insufficient to determine the role of this variant in disease. Therefore, it has been classified as a Variant of Uncertain Significance.